The following is an entry in ClinVar:

NM_001388453.1(QRICH2):c.2386_2415del (p.Ile796_Gly805del)

Gene: QRICH2 (glutamine rich 2; minus strand). Cytogenetic location: 17q25.1.
Variant type: Deletion.
Coding change: c.2386_2415del on transcript NM_001388453.1 (MANE Select); coding-DNA positions 2386 to 2415, 30 bases deleted (ATAGTTCAGCGTGGTTTGGTGCAACCTGGT).
Protein change: p.Ile796_Gly805del.
Genome position (GRCh38, 1-based): chr17:76,292,312-76,292,341, ACCAGGTTGCACCAAACCACGCTGAACTAT deleted on the plus strand (ATAGTTCAGCGTGGTTTGGTGCAACCTGGT on the coding strand, the reverse complement: QRICH2 is on the minus strand); deleting any 30 consecutive bases within chr17:76,292,312-76,292,358 gives the same sequence; the c. name uses the placement nearest the transcript's 3' end. VCF-style (leftmost placement, unchanged base first): chr17-76292311-CACCAGGTTGCACCAAACCACGCTGAACTAT-C. GRCh37 (hg19) VCF-style: chr17-74288392-CACCAGGTTGCACCAAACCACGCTGAACTAT-C.
Other names: c.2386_2415del, p.Ile796_Gly805del (NM_032134.3).
Identifiers: ClinVar variation 3059124 (VCV003059124.2), dbSNP rs758349471, ClinGen allele CA8784084.

ClinVar aggregate classification (germline): Benign (0 of 4 stars; one submission).

Conditions:
QRICH2-related disorder. Also called: QRICH2-related condition.

Submission:

PreventionGenetics, part of Exact Sciences
Classification: Benign for QRICH2-related condition. Last evaluated: 2019-05-28. Review status: no assertion criteria provided. Collection method: clinical testing. Allele origin: germline.
Comment: This variant is classified as benign based on ACMG/AMP sequence variant interpretation guidelines (Richards et al. 2015 PMID: 25741868, with internal and published modifications).